The following is an entry in ClinVar:

NM_001384474.1(LOXHD1):c.4549G>A (p.Glu1517Lys)

Gene: LOXHD1 (lipoxygenase homology PLAT domains 1; minus strand). Cytogenetic location: 18q21.1.
Variant type: single nucleotide variant.
Coding change: c.4549G>A on transcript NM_001384474.1 (MANE Select); coding-DNA position 4549, G replaced by A.
Protein change: p.Glu1517Lys; replaces glutamic acid 1517 with lysine.
Molecular consequence: missense variant.
Genome position (GRCh38, 1-based): chr18:46,524,899, C>T on the plus strand (G>A on the coding strand, the complement: LOXHD1 is on the minus strand). VCF-style: chr18-46524899-C-T. GRCh37 (hg19) VCF-style: chr18-44104862-C-T.
Other names: c.1216G>A, p.Glu406Lys (NM_001145472.3); c.928G>A, p.Glu310Lys (NM_001308013.2); c.4549G>A, p.Glu1517Lys (NM_144612.7); short protein forms E1517K, E310K, E406K.
Identifiers: ClinVar variation 3340274 (VCV003340274.1).

ClinVar aggregate classification (germline): Uncertain significance (1 of 4 stars; one submission).

gnomAD v4.1: 67 of 1,551,676 alleles (0.0043%); highest among the groups gnomAD compares: East Asian, 0.034%; no homozygotes.

Submission:

GeneDx
Classification: Uncertain significance. Last evaluated: 2023-08-03. Review status: criteria provided, single submitter. Criteria: GeneDx Variant Classification Process June 2021. Collection method: clinical testing. Allele origin: germline. Affected: yes.
Comment: In silico analysis supports that this missense variant has a deleterious effect on protein structure/function; In silico analysis suggests this variant may impact gene splicing. In the absence of RNA/functional studies, the actual effect of this sequence change is unknown.; Has not been previously published as pathogenic or benign to our knowledge